The following is an entry in ClinVar:

NM_001267550.2(TTN):c.107903T>G (p.Leu35968Arg)

Genes: TTN-AS1 (TTN antisense RNA 1; plus strand), TTN (titin; minus strand). Cytogenetic location: 2q31.2.
Variant type: single nucleotide variant.
Coding change: c.107903T>G on transcript NM_001267550.2 (MANE Select); coding-DNA position 107903, T replaced by G.
Protein change: p.Leu35968Arg; replaces leucine 35968 with arginine.
Molecular consequence: missense variant.
Genome position (GRCh38, 1-based): chr2:178,527,085, A>C on the plus strand (T>G on the coding strand, the complement: TTN is on the minus strand). VCF-style: chr2-178527085-A-C. GRCh37 (hg19) VCF-style: chr2-179391812-A-C.
Other names: c.102980T>G, p.Leu34327Arg (NM_001256850.1); c.80708T>G, p.Leu26903Arg (NM_003319.4); c.100199T>G, p.Leu33400Arg (NM_133378.4); c.81083T>G, p.Leu27028Arg (NM_133432.3); c.81284T>G, p.Leu27095Arg (NM_133437.4); short protein forms L26903R, L27028R, L33400R, L34327R, L35968R, L27095R.
Identifiers: ClinVar variation 1386033 (VCV001386033.8), dbSNP rs1686710377, ClinGen allele CA349398404.
Genomic context (GRCh38, chr2:178,527,085, plus strand): 5'-ATATGTATATTCACAGTGGCAGAGTCAGATCCAAATTCATTCCCTAAACTCAGGGTATAA[A>C]GTCCACCATCTTGTTTCTGTACGTCCATGATGATCAGGGTTGTCAGGTCATCTGTGTTTT-3'
Protein context (NP_001254479.2, residues 35958-35978): IMDVQKQDGG[Leu35968Arg]YTLSLGNEFG

ClinVar aggregate classification (germline): Uncertain significance (1 of 4 stars; one submission).

Conditions:
Dilated cardiomyopathy 1G (CMD1G). Identifiers: Orphanet 154, MedGen C1858763, MONDO:0011400, OMIM 604145.
Autosomal recessive limb-girdle muscular dystrophy type 2J (LGMDR10). Also called: Limb-girdle muscular dystrophy, type 2J; MUSCULAR DYSTROPHY, LIMB-GIRDLE, AUTOSOMAL RECESSIVE 10. Identifiers: Orphanet 140922, MedGen C1837342, MONDO:0012127, OMIM 608807.

Submission:

Labcorp Genetics (formerly Invitae), Labcorp
Classification: Uncertain significance for Dilated cardiomyopathy 1G; Autosomal recessive limb-girdle muscular dystrophy type 2J. Last evaluated: 2022-08-16. Review status: criteria provided, single submitter. Criteria: Invitae Variant Classification Sherloc (09022015). Collection method: clinical testing. Allele origin: germline.
Comment: In summary, the available evidence is currently insufficient to determine the role of this variant in disease. Therefore, it has been classified as a Variant of Uncertain Significance. This variant is located in the M band of TTN (PMID: 25589632). Variants in this region may be relevant for neuromuscular disorders, but have not been definitively shown to cause cardiomyopathy (PMID: 23975875). Experimental studies and prediction algorithms are not available or were not evaluated, and the functional significance of this variant is currently unknown. ClinVar contains an entry for this variant (Variation ID: 1386033). This variant has not been reported in the literature in individuals affected with TTN-related conditions. This variant is not present in population databases (gnomAD no frequency). This sequence change replaces leucine, which is neutral and non-polar, with arginine, which is basic and polar, at codon 35968 of the TTN protein (p.Leu35968Arg).

Literature cited by the submitters: PubMed 25589632; PubMed 23975875.